The following is an entry in ClinVar:

ClinVar aggregate classification (germline): Uncertain significance (1 of 4 stars; one submission).

Conditions:
Perlman syndrome (PRLMNS). Identifiers: Orphanet 2849, MedGen C0796113, MONDO:0009965, OMIM 267000.

Submission:

Labcorp Genetics (formerly Invitae), Labcorp
Classification: Uncertain significance for Perlman syndrome. Last evaluated: 2022-11-01. Review status: criteria provided, single submitter. Criteria: Invitae Variant Classification Sherloc (09022015). Collection method: clinical testing. Allele origin: germline.
Comment: ClinVar contains an entry for this variant (Variation ID: 655875). Advanced modeling of protein sequence and biophysical properties (such as structural, functional, and spatial information, amino acid conservation, physicochemical variation, residue mobility, and thermodynamic stability) performed at Invitae indicates that this missense variant is expected to disrupt DIS3L2 protein function. In summary, the available evidence is currently insufficient to determine the role of this variant in disease. Therefore, it has been classified as a Variant of Uncertain Significance. This variant has not been reported in the literature in individuals affected with DIS3L2-related conditions. This sequence change replaces tyrosine, which is neutral and polar, with cysteine, which is neutral and slightly polar, at codon 689 of the DIS3L2 protein (p.Tyr689Cys). This variant is not present in population databases (gnomAD no frequency).

NM_152383.5(DIS3L2):c.2066A>G (p.Tyr689Cys)

Gene: DIS3L2 (DIS3 like 3'-5' exoribonuclease 2; plus strand). Cytogenetic location: 2q37.1.
Variant type: single nucleotide variant.
Coding change: c.2066A>G on transcript NM_152383.5 (MANE Select); coding-DNA position 2066, A replaced by G.
Protein change: p.Tyr689Cys; replaces tyrosine 689 with cysteine.
Molecular consequence: missense variant. On other transcripts: non-coding transcript variant (2), intron variant (1).
Genome position (GRCh38, 1-based): chr2:232,333,895, A>G. VCF-style: chr2-232333895-A-G. GRCh37 (hg19) VCF-style: chr2-233198605-A-G.
Other names: c.1582-9450A>G (NM_001257281.2); short protein forms Y689C.
Identifiers: ClinVar variation 655875 (VCV000655875.10), dbSNP rs1575027255, ClinGen allele CA350977406.
Genomic context (GRCh38, chr2:232,333,895, plus strand): 5'-CGCAGATGGCACTGTACTTCTGCTCGGGGCTGCTGCAGGACCCAGCGCAGTTCCGGCACT[A>G]CGCGCTCAATGTGCCCCTGTACACACACTTCACCTCGCCCATCCGCCGCTTTGCCGACGT-3'
Protein context (NP_689596.4, residues 679-699): LLQDPAQFRH[Tyr689Cys]ALNVPLYTHF